The following is an entry in ClinVar:

NM_007294.4(BRCA1):c.5059del (p.Val1687fs)

Gene: BRCA1 (BRCA1 DNA repair associated; minus strand). Cytogenetic location: 17q21.31.
Variant type: Deletion.
Coding change: c.5059del on transcript NM_007294.4 (MANE Select); coding-DNA position 5059, one base deleted (G; older notation c.5059delG).
Protein change: p.Val1687fs; shifts the reading frame from valine 1687.
Molecular consequence: frameshift variant. On other transcripts: non-coding transcript variant (1).
Genome position (GRCh38, 1-based): chr17:43,067,623, C deleted on the plus strand (G on the coding strand, the reverse complement: BRCA1 is on the minus strand). VCF-style (leftmost placement, unchanged base first): chr17-43067622-AC-A. GRCh37 (hg19) VCF-style: chr17-41219639-AC-A.
Other names: c.1606delG, p.Val536Leufs (NM_001408462.1, NM_001408463.1, NM_001408464.1 and 7 more transcripts); c.1603delG, p.Val535Leufs (NM_001408468.1, NM_001408469.1, NM_001408470.1); c.1747delG, p.Val583Leufs (NM_001408472.1, NM_007298.4, NM_007304.2 and 12 more transcripts); c.1744delG, p.Val582Leufs (NM_001408473.1, NM_001408392.1, NM_001408396.1 and 8 more transcripts); c.1549delG, p.Val517Leufs (NM_001408474.1); c.1546delG, p.Val516Leufs (NM_001408475.1, NM_001408476.1); c.1540delG, p.Val514Leufs (NM_001408478.1, NM_001408479.1, NM_001408480.1); c.1537delG, p.Val513Leufs (NM_001408481.1, NM_001408482.1, NM_001408483.1 and 5 more transcripts); and 73 more; short protein forms V1687fs, V1708fs, V583fs, V1640fs.
Identifiers: ClinVar variation 482909 (VCV000482909.22), dbSNP rs1555579633, ClinGen allele CA658656683.

ClinVar aggregate classification (germline): Pathogenic. Review status: criteria provided, multiple submitters, no conflicts (2 of 4 stars). 3 submissions from 3 submitters: Pathogenic (3). Last evaluated 2025-01-21.

Conditions:
Hereditary breast ovarian cancer syndrome. Also called: Hereditary breast and ovarian cancer syndrome; Hereditary breast and ovarian cancer; Hereditary breast and ovarian cancer syndrome (HBOC); Breast and ovarian cancer; Hereditary breast and/or ovarian cancer syndrome; BRCA1- and BRCA2-Associated Hereditary Breast and Ovarian Cancer. Identifiers: Orphanet 145, MedGen C0677776, MeSH D061325, MONDO:0003582. Disease mechanism: loss of function.
Hereditary cancer-predisposing syndrome. Also called: Neoplastic Syndromes, Hereditary; Tumor predisposition; Hereditary Cancer Syndrome; Hereditary neoplastic syndrome. Identifiers: Orphanet 140162, MedGen C0027672, MeSH D009386, MONDO:0015356.

Submissions (3):

Ambry Genetics
Classification: Pathogenic for Hereditary cancer-predisposing syndrome. Last evaluated: 2025-01-21. Review status: criteria provided, single submitter. Criteria: Ambry Variant Classification Scheme 2023. Collection method: clinical testing. Allele origin: germline.
Comment: The c.5059delG pathogenic mutation, located in coding exon 15 of the BRCA1 gene, results from a deletion of one nucleotide at nucleotide position 5059, causing a translational frameshift with a predicted alternate stop codon (p.V1687Lfs*3). In one review, this mutation was noted to have been identified in multiple Asian-American individuals with hereditary breast and/or ovarian cancer (Kwong A et al. J Med Genet, 2016 Jan;53:15-23). This variant is considered to be rare based on population cohorts in the Genome Aggregation Database (gnomAD). In addition to the clinical data presented in the literature, this alteration is expected to result in loss of function by premature protein truncation or nonsense-mediated mRNA decay. As such, this alteration is interpreted as a disease-causing mutation.

Labcorp Genetics (formerly Invitae), Labcorp
Classification: Pathogenic for Hereditary breast ovarian cancer syndrome. Last evaluated: 2023-03-31. Review status: criteria provided, single submitter. Criteria: Invitae Variant Classification Sherloc (09022015). Collection method: clinical testing. Allele origin: germline.
Comment: This sequence change creates a premature translational stop signal (p.Val1687Leufs*3) in the BRCA1 gene. It is expected to result in an absent or disrupted protein product. Loss-of-function variants in BRCA1 are known to be pathogenic (PMID: 20104584). For these reasons, this variant has been classified as Pathogenic. Algorithms developed to predict the effect of sequence changes on RNA splicing suggest that this variant may disrupt the consensus splice site. ClinVar contains an entry for this variant (Variation ID: 482909). This premature translational stop signal has been observed in individual(s) with breast cancer (PMID: 26187060). This variant is not present in population databases (gnomAD no frequency).

Color Diagnostics, LLC DBA Color Health
Classification: Pathogenic for Hereditary cancer-predisposing syndrome. Last evaluated: 2020-01-15. Review status: criteria provided, single submitter. Criteria: ACMG Guidelines, 2015. Collection method: clinical testing. Allele origin: germline.
Comment: This variant deletes 1 nucleotide in exon 16 of the BRCA1 gene, creating a frameshift and premature translation stop signal. This variant is expected to result in an absent or non-functional protein product. This variant has not been identified in the general population by the Genome Aggregation Database (gnomAD). Loss of BRCA1 function is a known mechanism of disease. Based on the available evidence, this variant is classified as Pathogenic.

Literature cited by the submitters: PubMed 26187060 (cited by Ambry Genetics and Labcorp Genetics (formerly Invitae), Labcorp); PubMed 20104584 (cited by Labcorp Genetics (formerly Invitae), Labcorp).